The following is an entry in ClinVar:

ClinVar aggregate classification (germline): Likely benign. Review status: criteria provided, multiple submitters, no conflicts (2 of 4 stars). 2 submissions from 2 submitters: Likely benign (2). Last evaluated 2025-09-01.

Conditions:
Developmental and epileptic encephalopathy, 14 (DEE14). Also called: Early infantile epileptic encephalopathy 14. Identifiers: Orphanet 293181, MedGen C3554195, MONDO:0013989, OMIM 614959.
Autosomal dominant nocturnal frontal lobe epilepsy 5. Also called: KCNT1-Related Epilepsy; Epilepsy, nocturnal frontal lobe, 5; CILIARY DYSKINESIA, PRIMARY, 28, WITHOUT SITUS INVERSUS; CILIARY DYSKINESIA, PRIMARY, 28, WITH SITUS INVERSUS. Identifiers: Orphanet 98784, MedGen C3554306, MONDO:0014002, OMIM 615005.

Allele frequency attached by ClinVar (database versions not stated): TOPMed 0.00001; gnomAD 0.00002.
gnomAD v4.1: 16 of 1,607,362 alleles (0.001%); highest among the groups gnomAD compares: African/African-American, 0.0013%; no homozygotes.

Submissions (2):

CeGaT Center for Human Genetics Tuebingen
Classification: Likely benign. Last evaluated: 2025-09-01. Review status: criteria provided, single submitter. Criteria: CeGaT Center For Human Genetics Tuebingen Variant Classification Criteria Version 2. Collection method: clinical testing. Allele origin: germline. Affected: yes. Observed: 1 variant allele.
Comment: KCNT1: BP4, BP7

Labcorp Genetics (formerly Invitae), Labcorp
Classification: Likely benign for Autosomal dominant nocturnal frontal lobe epilepsy 5; Developmental and epileptic encephalopathy, 14. Last evaluated: 2025-08-22. Review status: criteria provided, single submitter. Criteria: Invitae Variant Classification Sherloc (09022015). Collection method: clinical testing. Allele origin: germline.

NM_020822.3(KCNT1):c.1017C>T (p.Leu339=)

Gene: KCNT1 (potassium sodium-activated channel subfamily T member 1; plus strand). Cytogenetic location: 9q34.3.
Variant type: single nucleotide variant.
Coding change: c.1017C>T on transcript NM_020822.3 (MANE Select); coding-DNA position 1017, C replaced by T.
Protein change: p.Leu339=; no amino-acid change (leucine 339 retained).
Molecular consequence: synonymous variant.
Genome position (GRCh38, 1-based): chr9:135,759,841, C>T. VCF-style: chr9-135759841-C-T. GRCh37 (hg19) VCF-style: chr9-138651687-C-T.
Other names: c.882C>T, p.Leu294= (NM_001272003.2).
Identifiers: ClinVar variation 2066908 (VCV002066908.11), dbSNP rs1471908449, ClinGen allele CA467694497.
Genomic context (GRCh38, chr9:135,759,841, plus strand): 5'-CGTCACGCCCAAGATCTGGCCATCGCAGCTGCTGGTGGTCATCATGATCTGCGTGGCCCT[C>T]GTGGTGCTCCCACTGCAGGTGGGTCCTCTGGGCACCAGCCCTGGGTGGCACCAGCAAAGG-3'
Protein context (NP_065873.2, residues 329-349): LLVVIMICVA[Leu339=]VVLPLQFEEL